The following is an entry in ClinVar:

NM_004522.3(KIF5C):c.2861A>C (p.His954Pro)

Gene: KIF5C (kinesin family member 5C; plus strand). Cytogenetic location: 2q23.2.
Variant type: single nucleotide variant.
Coding change: c.2861A>C on transcript NM_004522.3 (MANE Select); coding-DNA position 2861, A replaced by C.
Protein change: p.His954Pro; replaces histidine 954 with proline.
Molecular consequence: missense variant. On other transcripts: non-coding transcript variant (1).
Genome position (GRCh38, 1-based): chr2:149,011,663, A>C. VCF-style: chr2-149011663-A-C. GRCh37 (hg19) VCF-style: chr2-149868177-A-C.
Other names: short protein forms H954P.
Identifiers: ClinVar variation 3344926 (VCV003344926.1).
Genomic context (GRCh38, chr2:149,011,663, plus strand): 5'-CATCTCCAACGGCCGTCCATGCCATTCGAGGGGGAGGAGGCAGCTCTTCAAATTCCACTC[A>C]CTACCAGAAATAAATACAAAGTGAGTCCCATGTCAAGGGTGGTTTCTCTATCTGGAGGCA-3'
Protein context (NP_004513.1, residues 944-957): GGGGSSSNST[His954Pro]YQK

ClinVar aggregate classification (germline): Uncertain significance (0 of 4 stars; one submission).

Conditions:
KIF5C-related disorder. Also called: KIF5C-related condition.

Submission:

PreventionGenetics, part of Exact Sciences
Classification: Uncertain significance for KIF5C-related condition. Last evaluated: 2024-08-19. Review status: no assertion criteria provided. Collection method: clinical testing. Allele origin: germline.
Comment: The KIF5C c.2861A>C variant is predicted to result in the amino acid substitution p.His954Pro. To our knowledge, this variant has not been reported in the literature or in gnomAD, indicating this variant is rare. At this time, the clinical significance of this variant is uncertain due to the absence of conclusive functional and genetic evidence.